The following is an entry in ClinVar:

ClinVar aggregate classification (germline): Likely pathogenic (1 of 4 stars; one submission).

Submission:

Labcorp Genetics (formerly Invitae), Labcorp
Classification: Likely pathogenic. Last evaluated: 2025-03-31. Review status: criteria provided, single submitter. Criteria: Invitae Variant Classification Sherloc (09022015). Collection method: clinical testing. Allele origin: germline.
Comment: This sequence change affects a donor splice site in intron 16 of the ADAM9 gene. It is expected to disrupt RNA splicing. Variants that disrupt the donor or acceptor splice site typically lead to a loss of protein function (PMID: 16199547), and loss-of-function variants in ADAM9 are known to be pathogenic (PMID: 19409519). This variant is not present in population databases (gnomAD no frequency). Disruption of this splice site has been observed in individual(s) with retinitis pigmentosa (internal data). ClinVar contains an entry for this variant (Variation ID: 969663). Algorithms developed to predict the effect of sequence changes on RNA splicing suggest that this variant may disrupt the consensus splice site. In summary, the currently available evidence indicates that the variant is pathogenic, but additional data are needed to prove that conclusively. Therefore, this variant has been classified as Likely Pathogenic.

Literature cited by the submitters: PubMed 16199547; PubMed 19409519.

NM_003816.3(ADAM9):c.1881+1G>A

Gene: ADAM9 (ADAM metallopeptidase domain 9; plus strand). Cytogenetic location: 8p11.22.
Variant type: single nucleotide variant.
Coding change: c.1881+1G>A on transcript NM_003816.3 (MANE Select); the canonical splice donor site of the intron after coding-DNA position 1881, G replaced by A.
Molecular consequence: splice donor variant.
Genome position (GRCh38, 1-based): chr8:39,077,412, G>A. VCF-style: chr8-39077412-G-A. GRCh37 (hg19) VCF-style: chr8-38934931-G-A.
Identifiers: ClinVar variation 969663 (VCV000969663.7), dbSNP rs1838882266, ClinGen allele CA370746847.